The following is an entry in ClinVar:

NM_001379081.2(FREM1):c.2639A>T (p.Glu880Val)

Gene: FREM1 (FRAS1 related extracellular matrix 1; minus strand). Cytogenetic location: 9p22.3.
Variant type: single nucleotide variant.
Coding change: c.2639A>T on transcript NM_001379081.2 (MANE Select); coding-DNA position 2639, A replaced by T.
Protein change: p.Glu880Val; replaces glutamic acid 880 with valine.
Molecular consequence: missense variant. On other transcripts: non-coding transcript variant (2).
Genome position (GRCh38, 1-based): chr9:14,816,779, T>A on the plus strand (A>T on the coding strand, the complement: FREM1 is on the minus strand). VCF-style: chr9-14816779-T-A. GRCh37 (hg19) VCF-style: chr9-14816777-T-A.
Other names: c.2639A>T, p.Glu880Val (NM_144966.7); short protein forms E880V.
Identifiers: ClinVar variation 4999551 (VCV004999551.1).
Genomic context (GRCh38, chr9:14,816,779, plus strand): 5'-TGTTATGGCAGCACAAAACAGACTAAGACAATAACCCAGGGAAGAAACTTTCTACCCACC[T>A]CAACATGTAGTACAAATTCTGCTGAATTTGTGCCATCGGTGACCTCCAAGAGTAGGTCAT-3'
Protein context (NP_001366010.1, residues 870-890): TNSAEFVLHV[Glu880Val]VFPVNDEPPV

ClinVar aggregate classification (germline): Uncertain significance (1 of 4 stars; one submission).

Conditions:
FREM1-related disorder. Also called: FREM1-related condition; FREM1-Related Disorders.

Submission:

PreventionGenetics, part of Exact Sciences
Classification: Uncertain significance for FREM1-related condition. Last evaluated: 2025-06-07. Review status: criteria provided, single submitter. Criteria: ACMG Guidelines, 2015. Collection method: clinical testing. Allele origin: germline.
Comment: The FREM1 c.2639A>T variant is predicted to result in the amino acid substitution p.Glu880Val. To our knowledge, this variant has not been reported in the literature or in a large population database (gnomAD), indicating this variant is rare. At this time, the clinical significance of this variant is uncertain due to the absence of conclusive functional and genetic evidence.